The following is an entry in ClinVar:

NM_015346.4(ZFYVE26):c.1494C>G (p.Tyr498Ter)

Gene: ZFYVE26 (zinc finger FYVE-type containing 26; minus strand). Cytogenetic location: 14q24.1.
Variant type: single nucleotide variant.
Coding change: c.1494C>G on transcript NM_015346.4 (MANE Select); coding-DNA position 1494, C replaced by G.
Protein change: p.Tyr498Ter; replaces tyrosine 498 with a stop codon.
Molecular consequence: nonsense.
Genome position (GRCh38, 1-based): chr14:67,802,224, G>C on the plus strand (C>G on the coding strand, the complement: ZFYVE26 is on the minus strand). VCF-style: chr14-67802224-G-C. GRCh37 (hg19) VCF-style: chr14-68268941-G-C.
Other names: short protein forms Y498*.
Identifiers: ClinVar variation 2849533 (VCV002849533.3), dbSNP rs2502867141, ClinGen allele CA390176520.

ClinVar aggregate classification (germline): Pathogenic (1 of 4 stars; one submission).

Conditions:
Spastic paraplegia. Identifiers: MedGen C0037772, HP:0001258.

Submission:

Labcorp Genetics (formerly Invitae), Labcorp
Classification: Pathogenic for Spastic paraplegia. Last evaluated: 2023-03-26. Review status: criteria provided, single submitter. Criteria: Invitae Variant Classification Sherloc (09022015). Collection method: clinical testing. Allele origin: germline.
Comment: For these reasons, this variant has been classified as Pathogenic. This variant has not been reported in the literature in individuals affected with ZFYVE26-related conditions. This variant is not present in population databases (gnomAD no frequency). This sequence change creates a premature translational stop signal (p.Tyr498*) in the ZFYVE26 gene. It is expected to result in an absent or disrupted protein product. Loss-of-function variants in ZFYVE26 are known to be pathogenic (PMID: 18394578, 19805727).

Literature cited by the submitters: PubMed 18394578; PubMed 19805727.